The following is an entry in ClinVar:

NM_014043.4(CHMP2B):c.315A>C (p.Thr105=)

Gene: CHMP2B (charged multivesicular body protein 2B; plus strand). Cytogenetic location: 3p11.2.
Variant type: single nucleotide variant.
Coding change: c.315A>C on transcript NM_014043.4 (MANE Select); coding-DNA position 315, A replaced by C.
Protein change: p.Thr105=; no amino-acid change (threonine 105 retained).
Molecular consequence: synonymous variant.
Genome position (GRCh38, 1-based): chr3:87,245,902, A>C. VCF-style: chr3-87245902-A-C. GRCh37 (hg19) VCF-style: chr3-87295052-A-C.
Other names: c.192A>C, p.Thr64= (NM_001244644.2).
Identifiers: ClinVar variation 1636304 (VCV001636304.14), dbSNP rs778796624, ClinGen allele CA434576569.

ClinVar aggregate classification (germline): Likely benign. Review status: criteria provided, multiple submitters, no conflicts (2 of 4 stars). 2 submissions from 2 submitters: Likely benign (2). Last evaluated 2025-10-01.

Conditions:
Frontotemporal dementia and/or amyotrophic lateral sclerosis 7 (FTDALS7). Also called: CHMP2B-related frontotemporal dementia; Amyotrophic lateral sclerosis 17; AMYOTROPHIC LATERAL SCLEROSIS, CHMP2B-RELATED; CHMP2B-Related Frontotemporal Dementia-Amyotrophic Lateral Sclerosis. Identifiers: Orphanet 275864, Orphanet 282, Orphanet 803, MedGen C1833296, MONDO:0010936, OMIM 600795.

Submissions (2):

CeGaT Center for Human Genetics Tuebingen
Classification: Likely benign. Last evaluated: 2025-10-01. Review status: criteria provided, single submitter. Criteria: CeGaT Center For Human Genetics Tuebingen Variant Classification Criteria Version 2. Collection method: clinical testing. Allele origin: germline. Affected: yes. Observed: 1 variant allele.
Comment: CHMP2B: PM2:Supporting, BP4, BP7

Labcorp Genetics (formerly Invitae), Labcorp
Classification: Likely benign for Frontotemporal dementia and/or amyotrophic lateral sclerosis 7. Last evaluated: 2021-06-12. Review status: criteria provided, single submitter. Criteria: Invitae Variant Classification Sherloc (09022015). Collection method: clinical testing. Allele origin: germline.